The following is an entry in ClinVar:

NM_000384.3(APOB):c.3239A>G (p.Asn1080Ser)

Gene: APOB (apolipoprotein B; minus strand). Cytogenetic location: 2p24.1.
Variant type: single nucleotide variant.
Coding change: c.3239A>G on transcript NM_000384.3 (MANE Select); coding-DNA position 3239, A replaced by G.
Protein change: p.Asn1080Ser; replaces asparagine 1080 with serine.
Molecular consequence: missense variant.
Genome position (GRCh38, 1-based): chr2:21,016,532, T>C on the plus strand (A>G on the coding strand, the complement: APOB is on the minus strand). VCF-style: chr2-21016532-T-C. GRCh37 (hg19) VCF-style: chr2-21239404-T-C.
Other names: short protein forms N1080S.
Identifiers: ClinVar variation 993042 (VCV000993042.7), dbSNP rs201825493, ClinGen allele CA058335.

ClinVar aggregate classification (germline): Conflicting classifications of pathogenicity. Review status: criteria provided, conflicting classifications (1 of 4 stars). 3 submissions from 3 submitters: Uncertain significance (2); Likely benign (1). Last evaluated 2023-01-27.

Conditions:
Familial hypobetalipoproteinemia 1. Also called: APOB-Related Familial Hypobetalipoproteinemia; Hypobetalipoproteinemia, normotriglyceridemic; Acanthocytosis with hypobetalipoproteinemia. Identifiers: MedGen C4551990, MONDO:0014252, OMIM 615558.
Hypercholesterolemia, autosomal dominant, type B (FHCL2). Also called: APOLIPOPROTEIN B-100, FAMILIAL DEFECTIVE; APOLIPOPROTEIN B-100, FAMILIAL LIGAND-DEFECTIVE; HYPERCHOLESTEROLEMIA, FAMILIAL, DUE TO LIGAND-DEFECTIVE APOLIPOPROTEIN B; Hyperlipoproteinemia Type IIb; Familial hypercholesterolemia 2; Familial Hypercholesterolemia Type B. Identifiers: MedGen C1704417, MONDO:0007751, OMIM 144010.
Cardiovascular phenotype. Identifiers: MedGen CN230736.

Allele frequency attached by ClinVar (database versions not stated): ExAC 0.00001; gnomAD 0.00001; TOPMed 0.00001; gnomAD exomes 0.00002.
gnomAD v4.1: 53 of 1,604,680 alleles (0.0033%); highest among the groups gnomAD compares: Non-Finnish European, 0.0045%; no homozygotes.

Submissions (3):

Ambry Genetics
Classification: Likely benign for Cardiovascular phenotype. Last evaluated: 2023-01-27. Review status: criteria provided, single submitter. Criteria: Ambry Variant Classification Scheme 2023. Collection method: clinical testing. Allele origin: germline.

Labcorp Genetics (formerly Invitae), Labcorp
Classification: Uncertain significance for Familial hypobetalipoproteinemia 1; Hypercholesterolemia, autosomal dominant, type B. Last evaluated: 2021-08-31. Review status: criteria provided, single submitter. Criteria: Invitae Variant Classification Sherloc (09022015). Collection method: clinical testing. Allele origin: germline.
Comment: This sequence change replaces asparagine with serine at codon 1080 of the APOB protein (p.Asn1080Ser). The asparagine residue is moderately conserved and there is a small physicochemical difference between asparagine and serine. This variant is present in population databases (rs201825493, ExAC 0.001%). This variant has not been reported in the literature in individuals affected with APOB-related conditions. ClinVar contains an entry for this variant (Variation ID: 993042). Algorithms developed to predict the effect of missense changes on protein structure and function output the following: SIFT: "Tolerated"; PolyPhen-2: "Benign"; Align-GVGD: "Class C0". The serine amino acid residue is found in multiple mammalian species, which suggests that this missense change does not adversely affect protein function. In summary, the available evidence is currently insufficient to determine the role of this variant in disease. Therefore, it has been classified as a Variant of Uncertain Significance.

Quest Diagnostics Nichols Institute San Juan Capistrano
Classification: Uncertain significance. Last evaluated: 2020-07-24. Review status: criteria provided, single submitter. Criteria: Quest Diagnostics criteria. Collection method: clinical testing. Allele origin: unknown.